The following is an entry in ClinVar:

ClinVar aggregate classification (germline): Conflicting classifications of pathogenicity. Review status: criteria provided, conflicting classifications (1 of 4 stars). 6 submissions from 6 submitters: Likely pathogenic (2); Uncertain significance (3). 1 of the submissions does not count toward it. Last evaluated 2026-06-03.

Conditions:
GRXCR1-related disorders.
Autosomal recessive nonsyndromic hearing loss 25. Identifiers: Orphanet 90636, MedGen C1414017, MONDO:0013210, OMIM 613285.

Allele frequency attached by ClinVar (database versions not stated): gnomAD 0.00001 and 0.00003; TOPMed 0.00001; gnomAD exomes 0.00003 and 0.00006; ESP Exome Variant Server 0.00008; ExAC 0.00009.
gnomAD v4.1: 41 of 1,612,274 alleles (0.0025%); highest among the groups gnomAD compares: South Asian, 0.035%; no homozygotes.

Submissions (6):

Victorian Clinical Genetics Services, Murdoch Childrens Research Institute
Classification: Likely pathogenic for Autosomal recessive nonsyndromic hearing loss 25. Last evaluated: 2026-06-03. Review status: criteria provided, single submitter. Criteria: ACMG Guidelines, 2015. Collection method: clinical testing. Allele origin: germline. Affected: yes.
Comment: This variant is classified as Likely pathogenic. Evidence in support of pathogenic classification: Variant is present in gnomAD <0.01 for a recessive condition (v4: 41 heterozygote(s), 0 homozygote(s)). - This variant has limited previous evidence of pathogenicity in an unrelated individual(s). This variant has been classified as a VUS by clinical laboratories in ClinVar, and reported in the literature in consanguineous families with deafness (PMIDs: 20137778, 42086625); This variant has strong evidence for segregation with disease. This variant has been shown to segregate with hearing loss in a total of six individuals from two consanguineous Pakistani families (PMIDs: 20137778, 42086625); Missense variant predicted to be damaging by in silico tool(s) or highly conserved with a major amino acid change. Additional information: Variant is predicted to result in a missense amino acid change from Arg to Cys; This variant is homozygous; This gene is associated with autosomal recessive disease; Alternative amino acid change(s) at the same position are present in gnomAD (v4: 18 heterozygote(s), 0 homozygote(s)). - No published functional evidence has been identified for this variant; No comparable missense variants have previous evidence for pathogenicity; Variant is not located in an established domain, motif, hotspot or informative constraint region; Loss of function is a known mechanism of disease in this gene and is associated with deafness, autosomal recessive 25 (MIM#613285); Inheritance information for this variant is not currently available in this individual.

GeneDx
Classification: Uncertain significance. Last evaluated: 2025-03-20. Review status: criteria provided, single submitter. Criteria: GeneDx Variant Classification Process June 2021. Collection method: clinical testing. Allele origin: germline.
Comment: In silico analysis supports that this missense variant has a deleterious effect on protein structure/function; This variant is associated with the following publications: (PMID: 26186295, 25802247, 20137778)

Department of Pathology and Laboratory Medicine, Sinai Health System
Classification: Uncertain significance for Autosomal recessive nonsyndromic hearing loss 25. Last evaluated: 2023-02-24. Review status: criteria provided, single submitter. Criteria: ACMG Guidelines, 2015. Collection method: research. Allele origin: germline.

Labcorp Genetics (formerly Invitae), Labcorp
Classification: Uncertain significance. Last evaluated: 2022-08-03. Review status: criteria provided, single submitter. Criteria: Invitae Variant Classification Sherloc (09022015). Collection method: clinical testing. Allele origin: germline.
Comment: This sequence change replaces arginine, which is basic and polar, with cysteine, which is neutral and slightly polar, at codon 138 of the GRXCR1 protein (p.Arg138Cys). This variant is present in population databases (rs267606856, gnomAD 0.05%). This missense change has been observed in individual(s) with deafness (PMID: 20137778). ClinVar contains an entry for this variant (Variation ID: 196). Algorithms developed to predict the effect of missense changes on protein structure and function are either unavailable or do not agree on the potential impact of this missense change (SIFT: "Deleterious"; PolyPhen-2: "Probably Damaging"; Align-GVGD: "Class C15"). In summary, the available evidence is currently insufficient to determine the role of this variant in disease. Therefore, it has been classified as a Variant of Uncertain Significance.

Blueprint Genetics
Classification: Likely pathogenic for GRXCR1-related disorders. Last evaluated: 2022-02-24. Review status: criteria provided, single submitter. Criteria: ACMG Guidelines, 2015. Collection method: clinical testing. Allele origin: germline. Affected: yes. Observed: 1 variant allele.

OMIM
Classification: Pathogenic for DEAFNESS, AUTOSOMAL RECESSIVE 25. Last evaluated: 2010-02-12. Review status: no assertion criteria provided. Collection method: literature only. Allele origin: germline. Not counted in ClinVar's aggregate classification.

Literature cited by the submitters: PubMed 20137778 (cited by 3 submitters); PubMed 42086625 (cited by Victorian Clinical Genetics Services, Murdoch Childrens Research Institute).

NM_001080476.3(GRXCR1):c.412C>T (p.Arg138Cys)

Gene: GRXCR1 (glutaredoxin and cysteine rich domain containing 1; plus strand). Cytogenetic location: 4p13.
Variant type: single nucleotide variant.
Coding change: c.412C>T on transcript NM_001080476.3 (MANE Select); coding-DNA position 412, C replaced by T.
Protein change: p.Arg138Cys; replaces arginine 138 with cysteine.
Molecular consequence: missense variant.
Genome position (GRCh38, 1-based): chr4:42,962,919, C>T. VCF-style: chr4-42962919-C-T. GRCh37 (hg19) VCF-style: chr4-42964936-C-T.
Other names: c.412C>T (NM_001080476.2); short protein forms R138C.
Identifiers: ClinVar variation 196 (VCV000000196.8), dbSNP rs267606856, ClinGen allele CA114035.